The following is an entry in ClinVar:

NM_016938.5(EFEMP2):c.-2G>C

Gene: EFEMP2 (EGF-like fibulin extracellular matrix protein 2; minus strand). Cytogenetic location: 11q13.1.
Variant type: single nucleotide variant.
Coding change: c.-2G>C on transcript NM_016938.5 (MANE Select); 2 bases upstream of the start codon, G replaced by C.
Molecular consequence: 5 prime UTR variant. On other transcripts: non-coding transcript variant (1).
Genome position (GRCh38, 1-based): chr11:65,872,356, C>G on the plus strand (G>C on the coding strand, the complement: EFEMP2 is on the minus strand). VCF-style: chr11-65872356-C-G. GRCh37 (hg19) VCF-style: chr11-65639827-C-G.
Identifiers: ClinVar variation 5035727 (VCV005035727.1).
Genomic context (GRCh38, chr11:65,872,356, plus strand): 5'-AACAGTAGCAGCGCCCAGAGCAGTAGAGACCCGGGTAGGCAGGAGGCGCAGGGGAGCATC[C>G]TGGGGCTGCGAGATGGTGGACACGGGTCAGGGGCCTCTGCCCGCGGCACCTCAACTCCCT-3'

ClinVar aggregate classification (germline): Uncertain significance (1 of 4 stars; one submission).

Conditions:
Cardiovascular phenotype. Identifiers: MedGen CN230736.

Submission:

Ambry Genetics
Classification: Uncertain significance for Cardiovascular phenotype. Last evaluated: 2026-07-06. Review status: criteria provided, single submitter. Criteria: Ambry Variant Classification Scheme 2023. Collection method: clinical testing. Allele origin: germline.
Comment: The c.-2G>C variant is located in the 5' untranslated region (5&rsquo; UTR) of the EFEMP2 gene. This variant results from a G to C substitution 2 bases upstream from the first translated codon. This nucleotide position is highly conserved in available vertebrate species. Based on the available evidence, the clinical significance of this variant remains unclear.